The following is an entry in ClinVar:

ClinVar aggregate classification (germline): Pathogenic (1 of 4 stars; one submission).

Conditions:
Hyperphosphatasia with impaired intellectual development syndrome 2. Also called: Hyperphosphatasia with intellectual disability syndrome 2; GLYCOSYLPHOSPHATIDYLINOSITOL BIOSYNTHESIS DEFECT 6. Identifiers: Orphanet 247262, MedGen C3553637, MONDO:0013882, OMIM 614749.

Submission:

Labcorp Genetics (formerly Invitae), Labcorp
Classification: Pathogenic for Hyperphosphatasia with impaired intellectual development syndrome 2. Last evaluated: 2022-07-09. Review status: criteria provided, single submitter. Criteria: Invitae Variant Classification Sherloc (09022015). Collection method: clinical testing. Allele origin: germline.
Comment: For these reasons, this variant has been classified as Pathogenic. This variant has not been reported in the literature in individuals affected with PIGO-related conditions. This variant is not present in population databases (gnomAD no frequency). This sequence change creates a premature translational stop signal (p.Arg985*) in the PIGO gene. It is expected to result in an absent or disrupted protein product. Loss-of-function variants in PIGO are known to be pathogenic (PMID: 22683086, 24417746).

Literature cited by the submitters: PubMed 22683086; PubMed 24417746.

NM_032634.4(PIGO):c.2953A>T (p.Arg985Ter)

Gene: PIGO (phosphatidylinositol glycan anchor biosynthesis class O; minus strand). Cytogenetic location: 9p13.3.
Variant type: single nucleotide variant.
Coding change: c.2953A>T on transcript NM_032634.4 (MANE Select); coding-DNA position 2953, A replaced by T.
Protein change: p.Arg985Ter; replaces arginine 985 with a stop codon.
Molecular consequence: nonsense.
Genome position (GRCh38, 1-based): chr9:35,090,182, T>A on the plus strand (A>T on the coding strand, the complement: PIGO is on the minus strand). VCF-style: chr9-35090182-T-A. GRCh37 (hg19) VCF-style: chr9-35090179-T-A.
Other names: c.1702A>T, p.Arg568Ter (NM_001201484.2, NM_152850.4); short protein forms R985*, R568*.
Identifiers: ClinVar variation 2120565 (VCV002120565.4), dbSNP rs2490436497, ClinGen allele CA373317818.